The following is an entry in ClinVar:

NM_153240.5(NPHP3):c.2975dup (p.Ser993fs)

Genes: NPHP3 (nephrocystin 3; minus strand), NPHP3-ACAD11 (NPHP3-ACAD11 readthrough (NMD candidate); minus strand). Cytogenetic location: 3q22.1.
Variant type: Duplication.
Coding change: c.2975dup on transcript NM_153240.5 (MANE Select); coding-DNA position 2975, one base duplicated (C; older notation c.2975dupC).
Protein change: p.Ser993fs; shifts the reading frame from serine 993.
Molecular consequence: frameshift variant. On other transcripts: non-coding transcript variant (1).
Genome position (GRCh38, 1-based): chr3:132,688,800, G duplicated on the plus strand (C on the coding strand, the reverse complement: NPHP3 is on the minus strand). VCF-style (leftmost placement, unchanged base first): chr3-132688799-T-TG. GRCh37 (hg19) VCF-style: chr3-132407643-T-TG.
Other names: short protein forms S993fs.
Identifiers: ClinVar variation 3638449 (VCV003638449.2).

ClinVar aggregate classification (germline): Pathogenic (1 of 4 stars; one submission).

Conditions:
Nephronophthisis. Also called: Juvenile Nephronophthisis. Identifiers: Orphanet 655, MedGen C0687120, MONDO:0019005, HP:0000090.

Submission:

Labcorp Genetics (formerly Invitae), Labcorp
Classification: Pathogenic for Nephronophthisis. Last evaluated: 2026-01-12. Review status: criteria provided, single submitter. Criteria: Invitae Variant Classification Sherloc (09022015). Collection method: clinical testing. Allele origin: germline.
Comment: This sequence change creates a premature translational stop signal (p.Ser993Lysfs*17) in the NPHP3 gene. It is expected to result in an absent or disrupted protein product. Loss-of-function variants in NPHP3 are known to be pathogenic (PMID: 18371931, 23559409). This variant is not present in population databases (gnomAD no frequency). This variant has not been reported in the literature in individuals affected with NPHP3-related conditions. ClinVar contains an entry for this variant (Variation ID: 3638449). For these reasons, this variant has been classified as Pathogenic.

Literature cited by the submitters: PubMed 18371931; PubMed 23559409.